The following is an entry in ClinVar:

ClinVar aggregate classification (germline): Pathogenic (1 of 4 stars; one submission).

Conditions:
Neurofibromatosis, type 1 (NF1). Also called: VON RECKLINGHAUSEN DISEASE; Neurofibromatosis, type I; NEUROFIBROMATOSIS, TYPE I, SOMATIC; Peripheral type neurofibromatosis. Identifiers: Orphanet 636, MedGen C0027831, MONDO:0018975, OMIM 162200. Disease mechanism: loss of function.

Submission:

Labcorp Genetics (formerly Invitae), Labcorp
Classification: Pathogenic for Neurofibromatosis, type 1. Last evaluated: 2023-10-04. Review status: criteria provided, single submitter. Criteria: Invitae Variant Classification Sherloc (09022015). Collection method: clinical testing. Allele origin: germline.
Comment: This sequence change creates a premature translational stop signal (p.Asp1047Glyfs*14) in the NF1 gene. It is expected to result in an absent or disrupted protein product. Loss-of-function variants in NF1 are known to be pathogenic (PMID: 10712197, 23913538). This variant is not present in population databases (gnomAD no frequency). This variant has not been reported in the literature in individuals affected with NF1-related conditions. For these reasons, this variant has been classified as Pathogenic.

Literature cited by the submitters: PubMed 10712197; PubMed 23913538.

NM_001042492.3(NF1):c.3138_3141del (p.Asp1047fs)

Gene: NF1 (neurofibromin 1; plus strand). Cytogenetic location: 17q11.2.
Variant type: Deletion.
Coding change: c.3138_3141del on transcript NM_001042492.3 (MANE Select); coding-DNA positions 3138 to 3141, 4 bases deleted (AGAC; older notation c.3138_3141delAGAC).
Protein change: p.Asp1047fs; shifts the reading frame from aspartic acid 1047.
Molecular consequence: frameshift variant.
Genome position (GRCh38, 1-based): chr17:31,230,866-31,230,869, AGAC deleted; deleting any 4 consecutive bases within chr17:31,230,863-31,230,869 gives the same sequence; the c. name uses the placement nearest the transcript's 3' end. VCF-style (leftmost placement, unchanged base first): chr17-31230862-TGACA-T. GRCh37 (hg19) VCF-style: chr17-29557880-TGACA-T.
Other names: c.3138_3141delAGAC, p.Asp1047Glyfs (NM_000267.4); short protein forms D1047fs.
Identifiers: ClinVar variation 2765237 (VCV002765237.3), dbSNP rs2508212816, ClinGen allele CA2697559780.